The following is an entry in ClinVar:

ClinVar aggregate classification (germline): Likely benign. Review status: criteria provided, multiple submitters, no conflicts (2 of 4 stars). 4 submissions from 4 submitters: Likely benign (4). Last evaluated 2025-07-28.

Conditions:
Cardiovascular phenotype. Identifiers: MedGen CN230736.
Hypertrophic cardiomyopathy 14. Identifiers: MedGen C2750467, MONDO:0013197, OMIM 613251.
MYH6-related disorder. Also called: MYH6-related condition; MYH6-Related Disorders.

Allele frequency attached by ClinVar (database versions not stated): TOPMed 0.00006; 1000 Genomes Project 0.00020; 1000 Genomes Project 30x 0.00047.

Submissions (4):

Labcorp Genetics (formerly Invitae), Labcorp
Classification: Likely benign for Hypertrophic cardiomyopathy 14. Last evaluated: 2025-07-28. Review status: criteria provided, single submitter. Criteria: Invitae Variant Classification Sherloc (09022015). Collection method: clinical testing. Allele origin: germline.

PreventionGenetics, part of Exact Sciences
Classification: Likely benign for MYH6-related condition. Last evaluated: 2025-07-02. Review status: criteria provided, single submitter. Criteria: ACMG Guidelines, 2015. Collection method: clinical testing. Allele origin: germline.
Comment: This variant is classified as likely benign based on ACMG/AMP sequence variant interpretation guidelines (Richards et al. 2015 PMID: 25741868, with internal and published modifications).

GeneDx
Classification: Likely benign. Last evaluated: 2018-09-25. Review status: criteria provided, single submitter. Criteria: GeneDx Variant Classification Process June 2021. Collection method: clinical testing. Allele origin: germline. Affected: yes.

Ambry Genetics
Classification: Likely benign for Cardiovascular phenotype. Last evaluated: 2016-02-01. Review status: criteria provided, single submitter. Criteria: Ambry Variant Classification Scheme 2023. Collection method: clinical testing. Allele origin: germline.

NM_002471.4(MYH6):c.1521T>C (p.Ile507=)

Gene: MYH6 (myosin heavy chain 6; minus strand). Cytogenetic location: 14q11.2.
Variant type: single nucleotide variant.
Coding change: c.1521T>C on transcript NM_002471.4 (MANE Select); coding-DNA position 1521, T replaced by C.
Protein change: p.Ile507=; no amino-acid change (isoleucine 507 retained).
Molecular consequence: synonymous variant.
Genome position (GRCh38, 1-based): chr14:23,400,316, A>G on the plus strand (T>C on the coding strand, the complement: MYH6 is on the minus strand). VCF-style: chr14-23400316-A-G. GRCh37 (hg19) VCF-style: chr14-23869525-A-G.
Identifiers: ClinVar variation 520265 (VCV000520265.17), dbSNP rs142410102, ClinGen allele CA7115787.